The following is an entry in ClinVar:

ClinVar aggregate classification (germline): Likely pathogenic (1 of 4 stars; one submission).

Conditions:
Neurofibromatosis, type 1 (NF1). Also called: VON RECKLINGHAUSEN DISEASE; Neurofibromatosis, type I; NEUROFIBROMATOSIS, TYPE I, SOMATIC; Peripheral type neurofibromatosis. Identifiers: Orphanet 636, MedGen C0027831, MONDO:0018975, OMIM 162200. Disease mechanism: loss of function.

Submission:

3billion
Classification: Likely pathogenic for Neurofibromatosis, type 1. Last evaluated: 2024-09-13. Review status: criteria provided, single submitter. Criteria: ACMG Guidelines, 2015. Collection method: clinical testing. Allele origin: germline. Affected: yes.
Comment: The variant is not observed in the gnomAD v4.0.0 dataset. Predicted Consequence/Location: Frameshift: predicted to result in a loss or disruption of normal protein function through nonsense-mediated decay (NMD) or protein truncation. Multiple pathogenic variants are reported downstream of the variant. Therefore, this variant is classified as Likely pathogenic according to the recommendation of ACMG/AMP guideline.

NM_001042492.3(NF1):c.5077del (p.His1693fs)

Gene: NF1 (neurofibromin 1; plus strand). Cytogenetic location: 17q11.2.
Variant type: Deletion.
Coding change: c.5077del on transcript NM_001042492.3 (MANE Select); coding-DNA position 5077, one base deleted (C; older notation c.5077delC).
Protein change: p.His1693fs; shifts the reading frame from histidine 1693.
Molecular consequence: frameshift variant.
Genome position (GRCh38, 1-based): chr17:31,326,061, C deleted. VCF-style (leftmost placement, unchanged base first): chr17-31326060-TC-T. GRCh37 (hg19) VCF-style: chr17-29653078-TC-T.
Other names: c.5014del, p.His1672fs (NM_000267.4); short protein forms H1672fs, H1693fs.
Identifiers: ClinVar variation 4292923 (VCV004292923.1).